The following is an entry in ClinVar:

ClinVar aggregate classification (germline): Uncertain significance (1 of 4 stars; one submission).

Conditions:
Dilated cardiomyopathy 1G (CMD1G). Identifiers: Orphanet 154, MedGen C1858763, MONDO:0011400, OMIM 604145.
Autosomal recessive limb-girdle muscular dystrophy type 2J (LGMDR10). Also called: Limb-girdle muscular dystrophy, type 2J; MUSCULAR DYSTROPHY, LIMB-GIRDLE, AUTOSOMAL RECESSIVE 10. Identifiers: Orphanet 140922, MedGen C1837342, MONDO:0012127, OMIM 608807.

Submission:

Labcorp Genetics (formerly Invitae), Labcorp
Classification: Uncertain significance for Dilated cardiomyopathy 1G; Autosomal recessive limb-girdle muscular dystrophy type 2J. Last evaluated: 2020-10-05. Review status: criteria provided, single submitter. Criteria: Invitae Variant Classification Sherloc (09022015). Collection method: clinical testing. Allele origin: germline.
Comment: This variant is located in the M band of TTN (PMID: 25589632). Variants in this region may be relevant for neuromuscular disorders, but have not been definitively shown to cause cardiomyopathy (PMID: 23975875). In summary, the available evidence is currently insufficient to determine the role of this variant in disease. Therefore, it has been classified as a Variant of Uncertain Significance. Algorithms developed to predict the effect of missense changes on protein structure and function are unavailable for the TTN gene. This variant has not been reported in the literature in individuals with TTN-related conditions. This variant is not present in population databases (ExAC no frequency). This sequence change replaces lysine with threonine at codon 33843 of the TTN protein (p.Lys33843Thr). There is a moderate physicochemical difference between lysine and threonine.

Literature cited by the submitters: PubMed 25589632; PubMed 23975875.

NM_001267550.2(TTN):c.101528A>C (p.Lys33843Thr)

Genes: TTN (titin; minus strand), TTN-AS1 (TTN antisense RNA 1; plus strand). Cytogenetic location: 2q31.2.
Variant type: single nucleotide variant.
Coding change: c.101528A>C on transcript NM_001267550.2 (MANE Select); coding-DNA position 101528, A replaced by C.
Protein change: p.Lys33843Thr; replaces lysine 33843 with threonine.
Molecular consequence: missense variant.
Genome position (GRCh38, 1-based): chr2:178,535,087, T>G on the plus strand (A>C on the coding strand, the complement: TTN is on the minus strand). VCF-style: chr2-178535087-T-G. GRCh37 (hg19) VCF-style: chr2-179399814-T-G.
Other names: c.96605A>C, p.Lys32202Thr (NM_001256850.1); c.74333A>C, p.Lys24778Thr (NM_003319.4); c.93824A>C, p.Lys31275Thr (NM_133378.4); c.74708A>C, p.Lys24903Thr (NM_133432.3); c.74909A>C, p.Lys24970Thr (NM_133437.4); short protein forms K24778T, K24903T, K24970T, K31275T, K32202T, K33843T.
Identifiers: ClinVar variation 1019940 (VCV001019940.7), dbSNP rs1690840610, ClinGen allele CA349420515.